The following is an entry in ClinVar:

NM_007118.4(TRIO):c.8564T>A (p.Leu2855His)

Gene: TRIO (trio Rho guanine nucleotide exchange factor; plus strand). Cytogenetic location: 5p15.2.
Variant type: single nucleotide variant.
Coding change: c.8564T>A on transcript NM_007118.4 (MANE Select); coding-DNA position 8564, T replaced by A.
Protein change: p.Leu2855His; replaces leucine 2855 with histidine.
Molecular consequence: missense variant. On other transcripts: non-coding transcript variant (1).
Genome position (GRCh38, 1-based): chr5:14,504,545, T>A. VCF-style: chr5-14504545-T-A. GRCh37 (hg19) VCF-style: chr5-14504654-T-A.
Other names: short protein forms L2855H.
Identifiers: ClinVar variation 2502505 (VCV002502505.1), dbSNP rs2477692375, ClinGen allele CA359240208.

ClinVar aggregate classification (germline): Uncertain significance (1 of 4 stars; one submission).

Submission:

GeneDx
Classification: Uncertain significance. Last evaluated: 2022-11-21. Review status: criteria provided, single submitter. Criteria: GeneDx Variant Classification Process June 2021. Collection method: clinical testing. Allele origin: germline. Affected: yes.
Comment: Not observed at significant frequency in large population cohorts (gnomAD); In silico analysis supports that this missense variant has a deleterious effect on protein structure/function; Has not been previously published as pathogenic or benign to our knowledge